The following is an entry in ClinVar:

NM_172364.5(CACNA2D4):c.2292_2295del (p.Gly765fs)

Gene: CACNA2D4 (calcium voltage-gated channel auxiliary subunit alpha2delta 4; minus strand). Cytogenetic location: 12p13.33.
Variant type: Deletion.
Coding change: c.2292_2295del on transcript NM_172364.5 (MANE Select); coding-DNA positions 2292 to 2295, 4 bases deleted (TGGC; older notation c.2292_2295delTGGC).
Protein change: p.Gly765fs; shifts the reading frame from glycine 765.
Molecular consequence: frameshift variant.
Genome position (GRCh38, 1-based): chr12:1,846,641-1,846,644, GCCA deleted on the plus strand (TGGC on the coding strand, the reverse complement: CACNA2D4 is on the minus strand); deleting any 4 consecutive bases within chr12:1,846,641-1,846,647 gives the same sequence; the c. name uses the placement nearest the transcript's 3' end. VCF-style (leftmost placement, unchanged base first): chr12-1846640-GGCCA-G. GRCh37 (hg19) VCF-style: chr12-1955806-GGCCA-G.
Other names: short protein forms G765fs.
Identifiers: ClinVar variation 2122792 (VCV002122792.4), dbSNP rs2497980683, ClinGen allele CA2580085101.

ClinVar aggregate classification (germline): Uncertain significance (1 of 4 stars; one submission).

Submission:

Labcorp Genetics (formerly Invitae), Labcorp
Classification: Uncertain significance. Last evaluated: 2024-02-24. Review status: criteria provided, single submitter. Criteria: Invitae Variant Classification Sherloc (09022015). Collection method: clinical testing. Allele origin: germline.
Comment: This sequence change creates a premature translational stop signal (p.Gly765Serfs*2) in the CACNA2D4 gene. It is expected to result in an absent or disrupted protein product. However, the current clinical and genetic evidence is not sufficient to establish whether loss-of-function variants in CACNA2D4 cause disease. This variant is not present in population databases (gnomAD no frequency). This variant has not been reported in the literature in individuals affected with CACNA2D4-related conditions. ClinVar contains an entry for this variant (Variation ID: 2122792). In summary, the available evidence is currently insufficient to determine the role of this variant in disease. Therefore, it has been classified as a Variant of Uncertain Significance.